The following is an entry in ClinVar:

NM_014263.4(YME1L1):c.168+1382C>T

Gene: YME1L1 (YME1 like 1 ATPase; minus strand). Cytogenetic location: 10p12.1.
Variant type: single nucleotide variant.
Coding change: c.168+1382C>T on transcript NM_014263.4 (MANE Select); 1382 bases into the intron after coding-DNA position 168, C replaced by T.
Molecular consequence: intron variant. On other transcripts: missense variant (1).
Genome position (GRCh38, 1-based): chr10:27,147,524, G>A on the plus strand (C>T on the coding strand, the complement: YME1L1 is on the minus strand). VCF-style: chr10-27147524-G-A. GRCh37 (hg19) VCF-style: chr10-27436453-G-A.
Other names: c.313C>T, p.Pro105Ser (NM_139312.3); c.168+1382C>T (NM_001253866.2); short protein forms P105S.
Identifiers: ClinVar variation 4803410 (VCV004803410.1).

ClinVar aggregate classification (germline): Uncertain significance (1 of 4 stars; one submission).

gnomAD v4.1: 12 of 1,607,904 alleles (0.00075%); highest among the groups gnomAD compares: Admixed American, 0.0084%; no homozygotes.

Submission:

Labcorp Genetics (formerly Invitae), Labcorp
Classification: Uncertain significance. Last evaluated: 2025-02-12. Review status: criteria provided, single submitter. Criteria: Invitae Variant Classification Sherloc (09022015). Collection method: clinical testing. Allele origin: germline.
Comment: This sequence change replaces proline, which is neutral and non-polar, with serine, which is neutral and polar, at codon 105 of the YME1L1 protein (p.Pro105Ser). This variant is present in population databases (rs779143767, gnomAD 0.009%). This variant has not been reported in the literature in individuals affected with YME1L1-related conditions. An algorithm developed to predict the effect of missense changes on protein structure and function (PolyPhen-2) suggests that this variant is likely to be tolerated. In summary, the available evidence is currently insufficient to determine the role of this variant in disease. Therefore, it has been classified as a Variant of Uncertain Significance.